The following is an entry in ClinVar:

NM_000138.5(FBN1):c.2903C>G (p.Thr968Ser)

Gene: FBN1 (fibrillin 1; minus strand). Cytogenetic location: 15q21.1.
Variant type: single nucleotide variant.
Coding change: c.2903C>G on transcript NM_000138.5 (MANE Select); coding-DNA position 2903, C replaced by G.
Protein change: p.Thr968Ser; replaces threonine 968 with serine.
Molecular consequence: missense variant.
Genome position (GRCh38, 1-based): chr15:48,490,030, G>C on the plus strand (C>G on the coding strand, the complement: FBN1 is on the minus strand). VCF-style: chr15-48490030-G-C. GRCh37 (hg19) VCF-style: chr15-48782227-G-C.
Other names: c.2903C>G, p.Thr968Ser (NM_001406716.1); short protein forms T968S.
Identifiers: ClinVar variation 5008239 (VCV005008239.1).

ClinVar aggregate classification (germline): Uncertain significance (1 of 4 stars; one submission).

gnomAD v4.1: 2 of 1,614,110 alleles (0.00012%); highest among the groups gnomAD compares: South Asian, 0.0022%; no homozygotes.

Submission:

GeneDx
Classification: Uncertain significance. Last evaluated: 2026-03-02. Review status: criteria provided, single submitter. Criteria: GeneDx Variant Classification Process June 2021. Collection method: clinical testing. Allele origin: germline.
Comment: Not observed at significant frequency in large population cohorts (gnomAD); In silico analysis suggests that this missense variant does not alter protein structure/function; Does not affect a cysteine or calcium-binding residue within an EGF-like domain or a TGF-binding protein domain of the FBN1 gene; cysteine substitutions in the EGF-like domains represent the majority of pathogenic missense changes associated with FBN1-related disorders (PMID: 12938084); Has not been previously published as pathogenic or benign to our knowledge; This variant is associated with the following publications: (PMID: 12938084)